The following is an entry in ClinVar:

ClinVar aggregate classification (germline): Uncertain significance (1 of 4 stars; one submission).

Conditions:
Hereditary cancer-predisposing syndrome. Also called: Tumor predisposition; Hereditary neoplastic syndrome; Hereditary Cancer Syndrome; Neoplastic Syndromes, Hereditary. Identifiers: Orphanet 140162, MedGen C0027672, MeSH D009386, MONDO:0015356.

Submission:

Ambry Genetics
Classification: Uncertain significance for Hereditary cancer-predisposing syndrome. Last evaluated: 2023-11-16. Review status: criteria provided, single submitter. Criteria: Ambry Variant Classification Scheme 2023. Collection method: clinical testing. Allele origin: germline.
Comment: The p.W292L variant (also known as c.875G>T), located in coding exon 7 of the POLD1 gene, results from a G to T substitution at nucleotide position 875. The tryptophan at codon 292 is replaced by leucine, an amino acid with similar properties. This amino acid position is conserved. In addition, this alteration is predicted to be tolerated by in silico analysis. Since supporting evidence is limited at this time, the clinical significance of this alteration remains unclear.

NM_002691.4(POLD1):c.875G>T (p.Trp292Leu)

Gene: POLD1 (DNA polymerase delta 1, catalytic subunit; plus strand). Cytogenetic location: 19q13.33.
Variant type: single nucleotide variant.
Coding change: c.875G>T on transcript NM_002691.4 (MANE Select); coding-DNA position 875, G replaced by T.
Protein change: p.Trp292Leu; replaces tryptophan 292 with leucine.
Molecular consequence: missense variant. On other transcripts: non-coding transcript variant (1).
Genome position (GRCh38, 1-based): chr19:50,402,646, G>T. VCF-style: chr19-50402646-G-T. GRCh37 (hg19) VCF-style: chr19-50905903-G-T.
Other names: c.875G>T, p.Trp292Leu (NM_001256849.1, NM_001308632.1); short protein forms W292L.
Identifiers: ClinVar variation 3222752 (VCV003222752.1), dbSNP rs2038698829, ClinGen allele CA406976816.
Genomic context (GRCh38, chr19:50,402,646, plus strand): 5'-CACCGCTGACCCACCCATGCCCACAGGCTACGCAGTGCCAGCTGGAGGCGGACGTGCTGT[G>T]GTCTGACGTGGTCAGTCACCCACCGGAAGGGCCATGGCAGCGCATTGCGCCCTTGCGCGT-3'
Protein context (NP_002682.2, residues 282-302): TQCQLEADVL[Trp292Leu]SDVVSHPPEG